The following is an entry in ClinVar:

ClinVar aggregate classification (germline): Uncertain significance (1 of 4 stars; one submission).

Conditions:
Multiple congenital anomalies-hypotonia-seizures syndrome 2 (MCAHS2). Also called: EPILEPTIC ENCEPHALOPATHY, EARLY INFANTILE, 20; GLYCOSYLPHOSPHATIDYLINOSITOL BIOSYNTHESIS DEFECT 4. Identifiers: Orphanet 300496, MedGen C3275508, MONDO:0010466, OMIM 300868.

Allele frequency attached by ClinVar (database versions not stated): gnomAD exomes below 0.00001 and 0.00001; ExAC 0.00001; gnomAD 0.00002 and 0.00003; TOPMed 0.00002; ESP Exome Variant Server 0.00009.
gnomAD v4.1: 4 of 1,210,134 alleles (0.00033%); highest among the groups gnomAD compares: African/African-American, 0.0052%; no homozygotes.

Submission:

Labcorp Genetics (formerly Invitae), Labcorp
Classification: Uncertain significance for Multiple congenital anomalies-hypotonia-seizures syndrome 2. Last evaluated: 2021-11-12. Review status: criteria provided, single submitter. Criteria: Invitae Variant Classification Sherloc (09022015). Collection method: clinical testing. Allele origin: germline.
Comment: This variant has not been reported in the literature in individuals affected with PIGA-related conditions. This variant is present in population databases (rs146801580, gnomAD 0.02%). This sequence change replaces valine, which is neutral and non-polar, with leucine, which is neutral and non-polar, at codon 96 of the PIGA protein (p.Val96Leu). Algorithms developed to predict the effect of missense changes on protein structure and function are either unavailable or do not agree on the potential impact of this missense change (SIFT: "Deleterious"; PolyPhen-2: "Possibly Damaging"; Align-GVGD: "Class C0"). In summary, the available evidence is currently insufficient to determine the role of this variant in disease. Therefore, it has been classified as a Variant of Uncertain Significance.

NM_002641.4(PIGA):c.286G>C (p.Val96Leu)

Gene: PIGA (phosphatidylinositol glycan anchor biosynthesis class A; minus strand). Cytogenetic location: Xp22.2.
Variant type: single nucleotide variant.
Coding change: c.286G>C on transcript NM_002641.4 (MANE Select); coding-DNA position 286, G replaced by C.
Protein change: p.Val96Leu; replaces valine 96 with leucine.
Molecular consequence: missense variant. On other transcripts: non-coding transcript variant (1), intron variant (1).
Genome position (GRCh38, 1-based): chrX:15,331,645, C>G on the plus strand (G>C on the coding strand, the complement: PIGA is on the minus strand). VCF-style: chrX-15331645-C-G. GRCh37 (hg19) VCF-style: chrX-15349767-C-G.
Other names: c.13+3856G>C (NM_020473.3); short protein forms V96L.
Identifiers: ClinVar variation 1410823 (VCV001410823.6), dbSNP rs146801580, ClinGen allele CA10354172.
Genomic context (GRCh38, chrX:15,331,645, plus strand): 5'-TGTACCTGAGCAATGGCAGACTGTGAAAGAGGGTCGTGGCTGTAGACTGGTTGTACATGA[C>G]TTTCAGAGGCAAGTAATAGACTTTGAGGCCACTGGTGAGGTAACGGATGCCTTTTCGATT-3'
Protein context (NP_002632.1, residues 86-106): GLKVYYLPLK[Val96Leu]MYNQSTATTL